The following is an entry in ClinVar:

NM_002835.4(PTPN12):c.1875A>C (p.Ser625=)

Gene: PTPN12 (protein tyrosine phosphatase non-receptor type 12; plus strand). Cytogenetic location: 7q11.23.
Variant type: single nucleotide variant.
Coding change: c.1875A>C on transcript NM_002835.4 (MANE Select); coding-DNA position 1875, A replaced by C.
Protein change: p.Ser625=; no amino-acid change (serine 625 retained).
Molecular consequence: synonymous variant.
Genome position (GRCh38, 1-based): chr7:77,627,554, A>C. VCF-style: chr7-77627554-A-C. GRCh37 (hg19) VCF-style: chr7-77256871-A-C.
Other names: c.1518A>C, p.Ser506= (NM_001131008.2); c.1485A>C, p.Ser495= (NM_001131009.2).
Identifiers: ClinVar variation 4990922 (VCV004990922.1).

ClinVar aggregate classification (germline): Likely benign (1 of 4 stars; one submission).

Conditions:
PTPN12-related disorder. Also called: PTPN12-related condition.

gnomAD v4.1: 6 of 1,614,012 alleles (0.00037%); highest among the groups gnomAD compares: Admixed American, 0.01%; no homozygotes.

Submission:

PreventionGenetics, part of Exact Sciences
Classification: Likely benign for PTPN12-related condition. Last evaluated: 2026-06-02. Review status: criteria provided, single submitter. Criteria: ACMG Guidelines, 2015. Collection method: clinical testing. Allele origin: germline.
Comment: This variant is classified as likely benign based on ACMG/AMP sequence variant interpretation guidelines (Richards et al. 2015 PMID: 25741868, with internal and published modifications).